The following is an entry in ClinVar:

ClinVar aggregate classification (germline): Pathogenic/Likely pathogenic. Review status: criteria provided, multiple submitters, no conflicts (2 of 4 stars). 5 submissions from 5 submitters: Pathogenic (3); Likely pathogenic (2). Last evaluated 2025-11-12.

Conditions:
RPGRIP1L-related disorder. Also called: RPGRIP1L-related disorders; RPGRIP1L-related condition. Identifiers: MedGen CN239416.
Joubert syndrome 7 (JBTS7). Identifiers: Orphanet 220497, MedGen C1969053, MONDO:0012694, OMIM 611560.
Meckel syndrome, type 5 (MKS5). Identifiers: Orphanet 564, MedGen C1969052, MONDO:0012695, OMIM 611561.
COACH syndrome 3. Identifiers: MedGen C5436841, MONDO:0030862, OMIM 619113.
Meckel-Gruber syndrome. Also called: DYSENCEPHALIA SPLANCHNOCYSTICA; GRUBER SYNDROME; Dysencephalia splachnocystica. Identifiers: Orphanet 564, MedGen C0265215, MONDO:0018921.
Joubert syndrome. Also called: JOUBERT-BOLTSHAUSER SYNDROME; Familial aplasia of the vermis. Identifiers: Orphanet 475, MedGen C5979921, MONDO:0018772.
Inborn genetic diseases. Identifiers: MedGen C0950123, MeSH D030342.

Allele frequency attached by ClinVar (database versions not stated): ExAC 0.00001; gnomAD exomes 0.00001; TOPMed 0.00001; gnomAD 0.00002 and 0.00003.

Submissions (5):

PreventionGenetics, part of Exact Sciences
Classification: Pathogenic for RPGRIP1L-related condition. Last evaluated: 2025-11-12. Review status: criteria provided, single submitter. Criteria: ACMG Guidelines, 2015. Collection method: clinical testing. Allele origin: germline.
Comment: The RPGRIP1L c.2794_2795delTT variant is predicted to result in a frameshift and premature protein termination (p.Leu932Argfs*22). This variant has been reported in the compound heterozygous state with a nonsense variant of RPGRIP1L in an individual with ciliopathy (Supplementary Table 1, Pajusalu et al. 2018. PubMed ID: 28378410). This variant is reported in 0.0039% of alleles in individuals of European (Non-Finnish) descent in gnomAD. Frameshift variants in RPGRIP1L are expected to be pathogenic. This variant is interpreted as pathogenic.

Fulgent Genetics
Classification: Likely pathogenic for Joubert syndrome 7; Meckel syndrome, type 5; COACH syndrome 3. Last evaluated: 2024-04-05. Review status: criteria provided, single submitter. Criteria: ACMG Guidelines, 2015. Collection method: clinical testing. Allele origin: germline.

Labcorp Genetics (formerly Invitae), Labcorp
Classification: Pathogenic for Joubert syndrome; Meckel-Gruber syndrome. Last evaluated: 2023-08-20. Review status: criteria provided, single submitter. Criteria: Invitae Variant Classification Sherloc (09022015). Collection method: clinical testing. Allele origin: germline.
Comment: For these reasons, this variant has been classified as Pathogenic. ClinVar contains an entry for this variant (Variation ID: 406251). This variant has not been reported in the literature in individuals affected with RPGRIP1L-related conditions. This variant is present in population databases (rs778824093, gnomAD 0.004%). This sequence change creates a premature translational stop signal (p.Leu932Argfs*22) in the RPGRIP1L gene. It is expected to result in an absent or disrupted protein product. Loss-of-function variants in RPGRIP1L are known to be pathogenic (PMID: 17558409).

Ambry Genetics
Classification: Pathogenic for Inborn genetic diseases. Last evaluated: 2021-06-16. Review status: criteria provided, single submitter. Criteria: Ambry Variant Classification Scheme 2023. Collection method: clinical testing. Allele origin: germline.
Comment: The c.2794_2795delTT (p.L932Rfs*22) alteration, located in exon 18 (coding exon 17) of the RPGRIP1L gene, consists of a deletion of 2 nucleotides from position 2794 to 2795, causing a translational frameshift with a predicted alternate stop codon after 22 amino acids. This alteration is expected to result in loss of function by premature protein truncation or nonsense-mediated mRNA decay. This alteration has been previously identified in the compound heterozygous state with a second RPGRIP1L variant, confirmed in trans by parental testing, in a patient with ciliopathy (Pajusalu, 2018). Based on the available evidence, this alteration is classified as pathogenic.

Blueprint Genetics
Classification: Likely pathogenic for RPGRIP1L-related disorders. Last evaluated: 2021-03-13. Review status: criteria provided, single submitter. Criteria: ACMG Guidelines, 2015. Collection method: clinical testing. Allele origin: germline. Affected: yes. Observed: 2 variant alleles.

Literature cited by the submitters: PubMed 17558409 (cited by Labcorp Genetics (formerly Invitae), Labcorp); PubMed 28378410 (cited by Ambry Genetics).

NM_015272.5(RPGRIP1L):c.2794_2795del (p.Leu932fs)

Gene: RPGRIP1L (RPGRIP1 like; minus strand). Cytogenetic location: 16q12.2.
Variant type: Deletion.
Coding change: c.2794_2795del on transcript NM_015272.5 (MANE Select); coding-DNA positions 2794 to 2795, 2 bases deleted (TT; older notation c.2794_2795delTT).
Protein change: p.Leu932fs; shifts the reading frame from leucine 932.
Molecular consequence: frameshift variant.
Genome position (GRCh38, 1-based): chr16:53,641,364-53,641,365, AA deleted on the plus strand (TT on the coding strand, the reverse complement: RPGRIP1L is on the minus strand). VCF-style (leftmost placement, unchanged base first): chr16-53641363-TAA-T. GRCh37 (hg19) VCF-style: chr16-53675275-TAA-T.
Other names: c.2794_2795del (NM_015272.2); c.2794_2795del, p.Leu932fs (NM_001127897.4, NM_001308334.3, NM_001330538.2); c.2794_2795delTT (NM_015272.4); short protein forms L932fs.
Identifiers: ClinVar variation 406251 (VCV000406251.13), dbSNP rs778824093, ClinGen allele CA8057464.